The following is an entry in ClinVar:

NM_000310.4(PPT1):c.125-2A>T

Gene: PPT1 (palmitoyl-protein thioesterase 1; minus strand). Cytogenetic location: 1p34.2.
Variant type: single nucleotide variant.
Coding change: c.125-2A>T on transcript NM_000310.4 (MANE Select); the canonical splice acceptor site of the intron before coding-DNA position 125, A replaced by T.
Molecular consequence: splice acceptor variant. On other transcripts: intron variant (1).
Genome position (GRCh38, 1-based): chr1:40,092,509, T>A on the plus strand (A>T on the coding strand, the complement: PPT1 is on the minus strand). VCF-style: chr1-40092509-T-A. GRCh37 (hg19) VCF-style: chr1-40558181-T-A.
Other names: c.125-2997A>T (NM_001142604.2); c.125-2A>T (NM_001363695.2).
Identifiers: ClinVar variation 2735090 (VCV002735090.3), dbSNP rs386833630, ClinGen allele CA339850273.

ClinVar aggregate classification (germline): Pathogenic (1 of 4 stars; one submission).

Conditions:
Neuronal ceroid lipofuscinosis 1 (CLN1). Also called: CEROID LIPOFUSCINOSIS, NEURONAL, 1, VARIABLE AGE AT ONSET; PPT1-Related Neuronal Ceroid-Lipofuscinosis. Identifiers: Orphanet 228329, MedGen C1850451, MONDO:0009744, OMIM 256730.

Submission:

Labcorp Genetics (formerly Invitae), Labcorp
Classification: Pathogenic for Neuronal ceroid lipofuscinosis 1. Last evaluated: 2023-07-03. Review status: criteria provided, single submitter. Criteria: Invitae Variant Classification Sherloc (09022015). Collection method: clinical testing. Allele origin: germline.
Comment: This variant is not present in population databases (gnomAD no frequency). For these reasons, this variant has been classified as Pathogenic. Algorithms developed to predict the effect of sequence changes on RNA splicing suggest that this variant may disrupt the consensus splice site. Disruption of this splice site has been observed in individual(s) with infantile neuronal ceroid lipofuscinosis (PMID: 10679943). This sequence change affects an acceptor splice site in intron 1 of the PPT1 gene. It is expected to disrupt RNA splicing. Variants that disrupt the donor or acceptor splice site typically lead to a loss of protein function (PMID: 16199547), and loss-of-function variants in PPT1 are known to be pathogenic (PMID: 10679943, 21990111).

Literature cited by the submitters: PubMed 10679943; PubMed 16199547; PubMed 21990111.